The following is an entry in ClinVar:

NM_014014.5(SNRNP200):c.1843-3T>C

Gene: SNRNP200 (small nuclear ribonucleoprotein U5 subunit 200; minus strand). Cytogenetic location: 2q11.2.
Variant type: single nucleotide variant.
Coding change: c.1843-3T>C on transcript NM_014014.5 (MANE Select); 3 bases into the intron before coding-DNA position 1843, T replaced by C.
Molecular consequence: intron variant.
Genome position (GRCh38, 1-based): chr2:96,293,512, A>G on the plus strand (T>C on the coding strand, the complement: SNRNP200 is on the minus strand). VCF-style: chr2-96293512-A-G. GRCh37 (hg19) VCF-style: chr2-96959250-A-G.
Identifiers: ClinVar variation 1499203 (VCV001499203.6), dbSNP rs759275511, ClinGen allele CA1778821.

ClinVar aggregate classification (germline): Uncertain significance (1 of 4 stars; one submission).

Allele frequency attached by ClinVar (database versions not stated): gnomAD exomes below 0.00001 and 0.00001; ExAC 0.00001; gnomAD 0.00001; TOPMed 0.00001.
gnomAD v4.1: 9 of 1,611,912 alleles (0.00056%); highest among the groups gnomAD compares: Admixed American, 0.0017%; no homozygotes.

Submission:

Labcorp Genetics (formerly Invitae), Labcorp
Classification: Uncertain significance. Last evaluated: 2020-12-31. Review status: criteria provided, single submitter. Criteria: Invitae Variant Classification Sherloc (09022015). Collection method: clinical testing. Allele origin: germline.
Comment: In summary, the available evidence is currently insufficient to determine the role of this variant in disease. Therefore, it has been classified as a Variant of Uncertain Significance. Nucleotide substitutions within the consensus splice site are a relatively common cause of aberrant splicing (PMID: 17576681, 9536098). Algorithms developed to predict the effect of sequence changes on RNA splicing suggest that this variant is not likely to affect RNA splicing, but this prediction has not been confirmed by published transcriptional studies. This variant has not been reported in the literature in individuals with SNRNP200-related conditions. This variant is present in population databases (rs759275511, ExAC 0.01%). This sequence change falls in intron 14 of the SNRNP200 gene. It does not directly change the encoded amino acid sequence of the SNRNP200 protein. It affects a nucleotide within the consensus splice site of the intron.

Literature cited by the submitters: PubMed 17576681; PubMed 9536098.